The following is an entry in ClinVar:

ClinVar aggregate classification (germline): Likely pathogenic (1 of 4 stars; one submission).

Conditions:
Microcephaly, short stature, and limb abnormalities. Identifiers: Orphanet 572773, MedGen C4539873, MONDO:0060533, OMIM 617604.

Submission:

Laboratory for Molecular Medicine, Mass General Brigham Personalized Medicine
Classification: Likely pathogenic for Microcephaly, short stature, and limb abnormalities. Last evaluated: 2024-03-29. Review status: criteria provided, single submitter. Criteria: ACMG Guidelines, 2015. Collection method: clinical testing. Allele origin: germline.
Comment: The p.Gly313ValfsX2 variant in DONSON has not been previously reported in individuals with DONSON-related features nor in large population studies (gnomAD v3.1.2). This variant is predicted to cause a frameshift, which alters the protein’s amino acid sequence beginning at position 313 and leads to a premature termination codon 2 amino acids downstream. This alteration is then predicted to lead to a truncated or absent protein. Loss of function of the DONSON gene has been reported as a disease mechanism in autosomal recessive microcephaly, short stature, and limb abnormalities (Reynolds 2017 PMID: 28191891). In summary, although additional studies are required to fully establish its clinical significance, this variant meets criteria to be classified as likely pathogenic for autosomal recessive microcephaly, short stature, and limb abnormalities. ACMG/AMP Criteria applied: PVS1, PM2_Supporting.

NM_017613.4(DONSON):c.938del (p.Gly313fs)

Gene: DONSON (DNA replication fork stabilization factor DONSON; minus strand). Cytogenetic location: 21q22.11.
Variant type: Deletion.
Coding change: c.938del on transcript NM_017613.4 (MANE Select); coding-DNA position 938, one base deleted (G; older notation c.938delG).
Protein change: p.Gly313fs; shifts the reading frame from glycine 313.
Molecular consequence: frameshift variant.
Genome position (GRCh38, 1-based): chr21:33,583,514, C deleted on the plus strand (G on the coding strand, the reverse complement: DONSON is on the minus strand); the first of 2 consecutive C bases (chr21:33,583,514-33,583,515); deleting either gives the same sequence. VCF-style (leftmost placement, unchanged base first): chr21-33583513-AC-A. GRCh37 (hg19) VCF-style: chr21-34955819-AC-A.
Other names: short protein forms G313fs.
Identifiers: ClinVar variation 3075994 (VCV003075994.1), dbSNP rs2517474861, ClinGen allele CA2825002851.